The following is an entry in ClinVar:

ClinVar aggregate classification (germline): Uncertain significance (1 of 4 stars; one submission).

Conditions:
Hereditary cancer-predisposing syndrome. Also called: Neoplastic Syndromes, Hereditary; Tumor predisposition; Hereditary Cancer Syndrome; Hereditary neoplastic syndrome. Identifiers: Orphanet 140162, MedGen C0027672, MeSH D009386, MONDO:0015356.

Submission:

Ambry Genetics
Classification: Uncertain significance for Hereditary cancer-predisposing syndrome. Last evaluated: 2026-03-25. Review status: criteria provided, single submitter. Criteria: Ambry Variant Classification Scheme 2023. Collection method: clinical testing. Allele origin: germline.
Comment: The c.803+4A>C intronic variant results from an A to C substitution 4 nucleotides after coding exon 7 in the PMS2 gene. This nucleotide position is highly conserved in available vertebrate species. In silico splice site analysis predicts that this alteration will weaken the native splice donor site; however, direct evidence is insufficient at this time (Ambry internal data). Based on the available evidence, the clinical significance of this variant remains unclear.

NM_000535.7(PMS2):c.803+4A>C

Gene: PMS2 (PMS1 homolog 2, mismatch repair system component; minus strand). Cytogenetic location: 7p22.1.
Variant type: single nucleotide variant.
Coding change: c.803+4A>C on transcript NM_000535.7 (MANE Select); 4 bases into the intron after coding-DNA position 803, A replaced by C.
Molecular consequence: intron variant.
Genome position (GRCh38, 1-based): chr7:5,997,322, T>G on the plus strand (A>C on the coding strand, the complement: PMS2 is on the minus strand). VCF-style: chr7-5997322-T-G. GRCh37 (hg19) VCF-style: chr7-6036953-T-G.
Other names: c.485+4A>C (NM_001322008.2, NM_001406902.1, NM_001406883.1 and 4 more transcripts); c.494+4A>C (NM_001406881.1, NM_001406879.1, NM_001322015.2 and 6 more transcripts); c.398+4A>C (NM_001406895.1, NM_001322010.2, NM_001322004.2 and 19 more transcripts); c.132+5131A>C (NM_001406911.1); c.290+4A>C (NM_001406904.1, NM_001406905.1); c.230+4A>C (NM_001322013.2, NM_001406909.1); c.-131+4A>C (NM_001322012.2, NM_001322011.2); c.467+4A>C (NM_001406885.1); and 7 more.
Identifiers: ClinVar variation 4862089 (VCV004862089.1).